The following is an entry in ClinVar:

ClinVar aggregate classification (germline): Uncertain significance. Review status: criteria provided, multiple submitters, no conflicts (2 of 4 stars). 5 submissions from 4 submitters: Uncertain significance (5). Last evaluated 2025-03-21.

Conditions:
Luscan-Lumish syndrome. Identifiers: Orphanet 597738, MedGen C4085873, MONDO:0014791, OMIM 616831.
Rabin-Pappas syndrome. Identifiers: MedGen C5774269, MONDO:0859331, OMIM 620155.
Intellectual developmental disorder, autosomal dominant 70. Identifiers: MedGen C5774271, MONDO:0859333, OMIM 620157.

Allele frequency attached by ClinVar (database versions not stated): gnomAD exomes 0.00003; TOPMed 0.00005; gnomAD 0.00006; ExAC 0.00009; 1000 Genomes Project 30x 0.00016; 1000 Genomes Project 0.00020; ESP Exome Variant Server 0.00022.
gnomAD v4.1: 55 of 1,551,566 alleles (0.0035%); highest among the groups gnomAD compares: South Asian, 0.0048%; no homozygotes.

Submissions (5):

Revvity Omics, Revvity
Classification: Uncertain significance. Last evaluated: 2025-03-21. Review status: criteria provided, single submitter. Criteria: ACMG Guidelines, 2015. Collection method: clinical testing. Allele origin: germline.

Genome-Nilou Lab
Classification: Uncertain significance for Luscan-Lumish syndrome. Last evaluated: 2022-03-15. Review status: criteria provided, single submitter. Criteria: ACMG Guidelines, 2015. Collection method: clinical testing. Allele origin: germline. Affected: no.

Center for Genomics, Ann and Robert H. Lurie Children's Hospital of Chicago
Classification: Uncertain significance for Luscan-Lumish syndrome. Last evaluated: 2022-01-12. Review status: criteria provided, single submitter. Criteria: ACMG Guidelines, 2015. Collection method: clinical testing. Allele origin: germline.
Comment: SETD2 NM_014159.6 exon 3 p.Arg401Gln (c.1202G>A) : This variant has not been reported in the literature but is present in 0.008% (6/68028) of European alleles in the Genome Aggregation Database. This variant is present in ClinVar (Variation ID:1057214). Evolutionary conservation suggests that this variant may impact the protein; computational predictive tools for this variant are unclear. In summary, data on this variant is insufficient for disease classification. Therefore, the clinical significance of this variant is uncertain.

Labcorp Genetics (formerly Invitae), Labcorp
Classification: Uncertain significance for Luscan-Lumish syndrome. Last evaluated: 2020-07-26. Review status: criteria provided, single submitter. Criteria: Invitae Variant Classification Sherloc (09022015). Collection method: clinical testing. Allele origin: germline.
Comment: In summary, the available evidence is currently insufficient to determine the role of this variant in disease. Therefore, it has been classified as a Variant of Uncertain Significance. Algorithms developed to predict the effect of missense changes on protein structure and function are either unavailable or do not agree on the potential impact of this missense change (SIFT: "Tolerated"; PolyPhen-2: "Possibly Damaging"; Align-GVGD: "Class C0"). This variant has not been reported in the literature in individuals with SETD2-related conditions. This variant is present in population databases (rs374918549, ExAC 0.09%). This sequence change replaces arginine with glutamine at codon 401 of the SETD2 protein (p.Arg401Gln). The arginine residue is highly conserved and there is a small physicochemical difference between arginine and glutamine.

Center for Genomics, Ann and Robert H. Lurie Children's Hospital of Chicago
Classification: Uncertain significance for Luscan-Lumish syndrome; Intellectual developmental disorder, autosomal dominant 70; Rabin-Pappas syndrome. Review status: criteria provided, single submitter. Criteria: ACMG Guidelines, 2015. Collection method: clinical testing. Allele origin: germline.
Comment: This variant has not been reported in the literature but is present in 0.008% (6/68028) of European alleles in the Genome Aggregation Database. This variant is present in ClinVar (Variation ID:1057214). Evolutionary conservation suggests that this variant may impact the protein; computational predictive tools for this variant are unclear. In summary, data on this variant is insufficient for disease classification. Therefore, the clinical significance of this variant is uncertain.

NM_014159.7(SETD2):c.1202G>A (p.Arg401Gln)

Gene: SETD2 (SET domain containing 2, histone lysine methyltransferase; minus strand). Cytogenetic location: 3p21.31.
Variant type: single nucleotide variant.
Coding change: c.1202G>A on transcript NM_014159.7 (MANE Select); coding-DNA position 1202, G replaced by A.
Protein change: p.Arg401Gln; replaces arginine 401 with glutamine.
Molecular consequence: missense variant. On other transcripts: non-coding transcript variant (1).
Genome position (GRCh38, 1-based): chr3:47,123,434, C>T on the plus strand (G>A on the coding strand, the complement: SETD2 is on the minus strand). VCF-style: chr3-47123434-C-T. GRCh37 (hg19) VCF-style: chr3-47164924-C-T.
Other names: c.1070G>A, p.Arg357Gln (NM_001349370.3); c.1202G>A (NM_014159.6); short protein forms R357Q, R401Q.
Identifiers: ClinVar variation 1057214 (VCV001057214.10), dbSNP rs374918549, ClinGen allele CA2363704.